The following is an entry in ClinVar:

NM_003823.4(TNFRSF6B):c.602T>G (p.Leu201Arg)

Genes: RTEL1-TNFRSF6B (RTEL1-TNFRSF6B readthrough (NMD candidate); plus strand), TNFRSF6B (TNF receptor superfamily member 6b; plus strand). Cytogenetic location: 20q13.33.
Variant type: single nucleotide variant.
Coding change: c.602T>G on transcript NM_003823.4 (MANE Select); coding-DNA position 602, T replaced by G.
Protein change: p.Leu201Arg; replaces leucine 201 with arginine.
Molecular consequence: missense variant. On other transcripts: non-coding transcript variant (1).
Genome position (GRCh38, 1-based): chr20:63,697,505, T>G. VCF-style: chr20-63697505-T-G. GRCh37 (hg19) VCF-style: chr20-62328858-T-G.
Other names: short protein forms L201R.
Identifiers: ClinVar variation 2841302 (VCV002841302.3), dbSNP rs1601207587, ClinGen allele CA409711792.

ClinVar aggregate classification (germline): Uncertain significance (1 of 4 stars; one submission).

Submission:

Labcorp Genetics (formerly Invitae), Labcorp
Classification: Uncertain significance. Last evaluated: 2023-02-27. Review status: criteria provided, single submitter. Criteria: Invitae Variant Classification Sherloc (09022015). Collection method: clinical testing. Allele origin: germline.
Comment: This variant is not present in population databases (gnomAD no frequency). This sequence change replaces leucine, which is neutral and non-polar, with arginine, which is basic and polar, at codon 201 of the TNFRSF6B protein (p.Leu201Arg). This variant has not been reported in the literature in individuals affected with TNFRSF6B-related conditions. In summary, the available evidence is currently insufficient to determine the role of this variant in disease. Therefore, it has been classified as a Variant of Uncertain Significance. An algorithm developed to predict the effect of missense changes on protein structure and function (PolyPhen-2) suggests that this variant is likely to be tolerated.